The following is an entry in ClinVar:

NM_004336.5(BUB1):c.2204A>T (p.Asn735Ile)

Gene: BUB1 (BUB1 mitotic checkpoint serine/threonine kinase; minus strand). Cytogenetic location: 2q13.
Variant type: single nucleotide variant.
Coding change: c.2204A>T on transcript NM_004336.5 (MANE Select); coding-DNA position 2204, A replaced by T.
Protein change: p.Asn735Ile; replaces asparagine 735 with isoleucine.
Molecular consequence: missense variant.
Genome position (GRCh38, 1-based): chr2:110,649,377, T>A on the plus strand (A>T on the coding strand, the complement: BUB1 is on the minus strand). VCF-style: chr2-110649377-T-A. GRCh37 (hg19) VCF-style: chr2-111406954-T-A.
Other names: c.2144A>T, p.Asn715Ile (NM_001278616.2); c.2204A>T, p.Asn735Ile (NM_001278617.2); short protein forms N715I, N735I.
Identifiers: ClinVar variation 2565810 (VCV002565810.2), dbSNP rs2467987635, ClinGen allele CA348209666.
Genomic context (GRCh38, chr2:110,649,377, plus strand): 5'-GAAAGCCCAGATAAAAGTTTGAAAATCAGCTTATCATCCCATGGGTTCCCAACAATGAAG[T>A]CTTAAAGGAATGAGAAAAAAAAAAAAAAAGGGAACATGAATTGAGTACTCAAGAACTTTA-3'
Protein context (NP_004327.1, residues 725-745): MSSLGTVDAP[Asn735Ile]FIVGNPWDDK

ClinVar aggregate classification (germline): Uncertain significance (1 of 4 stars; one submission).

Submission:

Ambry Genetics
Classification: Uncertain significance. Last evaluated: 2023-05-14. Review status: criteria provided, single submitter. Criteria: Ambry Variant Classification Scheme 2023. Collection method: clinical testing. Allele origin: germline.
Comment: The p.N735I variant (also known as c.2204A>T) is located in coding exon 19 of the BUB1 gene. The asparagine at codon 735 is replaced by isoleucine, an amino acid with dissimilar properties. This change occurs in the first base pair of coding exon 19. This amino acid position is conserved. In addition, this alteration is predicted to be tolerated by in silico analysis. Since supporting evidence is limited at this time, the clinical significance of this alteration remains unclear.